The following is an entry in ClinVar:

ClinVar aggregate classification (germline): Uncertain significance. Review status: criteria provided, multiple submitters, no conflicts (2 of 4 stars). 2 submissions from 2 submitters: Uncertain significance (2). Last evaluated 2025-12-21.

Submissions (2):

GeneDx
Classification: Uncertain significance. Last evaluated: 2025-12-21. Review status: criteria provided, single submitter. Criteria: GeneDx Variant Classification Process June 2021. Collection method: clinical testing. Allele origin: germline.
Comment: Has not been previously published as pathogenic or benign to our knowledge; Not observed at significant frequency in large population cohorts (gnomAD); In silico analysis supports that this missense variant has a deleterious effect on protein structure/function

Labcorp Genetics (formerly Invitae), Labcorp
Classification: Uncertain significance. Last evaluated: 2025-12-19. Review status: criteria provided, single submitter. Criteria: Invitae Variant Classification Sherloc (09022015). Collection method: clinical testing. Allele origin: germline.
Comment: This sequence change replaces leucine, which is neutral and non-polar, with proline, which is neutral and non-polar, at codon 263 of the LOX protein (p.Leu263Pro). This variant is not present in population databases (gnomAD no frequency). This variant has not been reported in the literature in individuals affected with LOX-related conditions. ClinVar contains an entry for this variant (Variation ID: 2807552). Invitae Evidence Modeling of protein sequence and biophysical properties (such as structural, functional, and spatial information, amino acid conservation, physicochemical variation, residue mobility, and thermodynamic stability) indicates that this missense variant is expected to disrupt LOX protein function with a positive predictive value of 95%. In summary, the available evidence is currently insufficient to determine the role of this variant in disease. Therefore, it has been classified as a Variant of Uncertain Significance.

NM_002317.7(LOX):c.788T>C (p.Leu263Pro)

Genes: LOX (lysyl oxidase; minus strand), SRFBP1 (serum response factor binding protein 1; plus strand). Cytogenetic location: 5q23.1.
Variant type: single nucleotide variant.
Coding change: c.788T>C on transcript NM_002317.7 (MANE Select); coding-DNA position 788, T replaced by C.
Protein change: p.Leu263Pro; replaces leucine 263 with proline.
Molecular consequence: missense variant. On other transcripts: 5 prime UTR variant (1).
Genome position (GRCh38, 1-based): chr5:122,075,494, A>G on the plus strand (T>C on the coding strand, the complement: LOX is on the minus strand). VCF-style: chr5-122075494-A-G. GRCh37 (hg19) VCF-style: chr5-121411189-A-G.
Other names: c.98T>C, p.Leu33Pro (NM_001178102.2); c.-104T>C (NM_001317073.1); c.788T>C (NM_002317.6); short protein forms L33P, L263P.
Identifiers: ClinVar variation 2807552 (VCV002807552.5), dbSNP rs2532911501, ClinGen allele CA360882206.
Genomic context (GRCh38, chr5:122,075,494, plus strand): 5'-CTTGGTCGGCTGGGTAAGAAATCTGATGTCCCTTGGTTTTTCACTCTTTGGGGAAATCTG[A>G]GCAGCACCCTGTGATCATAATCTCTGACATCTGCCCTGTATGCTGTACTGTGATTTTGAA-3'
Protein context (NP_002308.2, residues 253-273): DVRDYDHRVL[Leu263Pro]RFPQRVKNQG